The following is an entry in ClinVar:

ClinVar aggregate classification (germline): Uncertain significance. Review status: criteria provided, multiple submitters, no conflicts (2 of 4 stars). 2 submissions from 2 submitters: Uncertain significance (2). Last evaluated 2025-01-14.

Conditions:
Hereditary cancer-predisposing syndrome. Also called: Neoplastic Syndromes, Hereditary; Tumor predisposition; Hereditary neoplastic syndrome; Hereditary Cancer Syndrome. Identifiers: Orphanet 140162, MedGen C0027672, MeSH D009386, MONDO:0015356.

Allele frequency attached by ClinVar (database versions not stated): gnomAD exomes below 0.00001.
gnomAD v4.1: 3 of 1,614,006 alleles (0.00019%); highest among the groups gnomAD compares: Middle Eastern, 0.016%; no homozygotes.

Submissions (2):

Ambry Genetics
Classification: Uncertain significance for Hereditary cancer-predisposing syndrome. Last evaluated: 2025-01-14. Review status: criteria provided, single submitter. Criteria: Ambry Variant Classification Scheme 2023. Collection method: clinical testing. Allele origin: germline.
Comment: The p.V758M variant (also known as c.2272G>A), located in coding exon 20 of the POLE gene, results from a G to A substitution at nucleotide position 2272. The valine at codon 758 is replaced by methionine, an amino acid with highly similar properties. This amino acid position is conserved. In addition, the in silico prediction for this alteration is inconclusive. Based on the available evidence, the clinical significance of this variant remains unclear.

Labcorp Genetics (formerly Invitae), Labcorp
Classification: Uncertain significance. Last evaluated: 2022-07-03. Review status: criteria provided, single submitter. Criteria: Invitae Variant Classification Sherloc (09022015). Collection method: clinical testing. Allele origin: germline.
Comment: This variant has not been reported in the literature in individuals affected with POLE-related conditions. In summary, the available evidence is currently insufficient to determine the role of this variant in disease. Therefore, it has been classified as a Variant of Uncertain Significance. Algorithms developed to predict the effect of missense changes on protein structure and function are either unavailable or do not agree on the potential impact of this missense change (SIFT: "Deleterious"; PolyPhen-2: "Probably Damaging"; Align-GVGD: "Class C15"). ClinVar contains an entry for this variant (Variation ID: 580142). This variant is present in population databases (no rsID available, gnomAD no frequency). This sequence change replaces valine, which is neutral and non-polar, with methionine, which is neutral and non-polar, at codon 758 of the POLE protein (p.Val758Met).

NM_006231.4(POLE):c.2272G>A (p.Val758Met)

Gene: POLE (DNA polymerase epsilon, catalytic subunit; minus strand). Cytogenetic location: 12q24.33.
Variant type: single nucleotide variant.
Coding change: c.2272G>A on transcript NM_006231.4 (MANE Select); coding-DNA position 2272, G replaced by A.
Protein change: p.Val758Met; replaces valine 758 with methionine.
Molecular consequence: missense variant.
Genome position (GRCh38, 1-based): chr12:132,667,550, C>T on the plus strand (G>A on the coding strand, the complement: POLE is on the minus strand). VCF-style: chr12-132667550-C-T. GRCh37 (hg19) VCF-style: chr12-133244136-C-T.
Other names: short protein forms V758M.
Identifiers: ClinVar variation 580142 (VCV000580142.10), dbSNP rs1210448190, ClinGen allele CA387352165.
Genomic context (GRCh38, chr12:132,667,550, plus strand): 5'-CCTCAGAGCTCACCTTGTGGAGCCCTTTGAACTCGTAACGCCTGTCCCGGAAGGCACGCA[C>T]GGTGTCCACGTAGAAGGAGTTTTCCCGCTGGCAGATGGTGGTGAGACGCTCTTCCACCTT-3'
Protein context (NP_006222.2, residues 748-768): QRENSFYVDT[Val758Met]RAFRDRRYEF